The following is an entry in ClinVar:

ClinVar aggregate classification (germline): Uncertain significance. Review status: criteria provided, multiple submitters, no conflicts (2 of 4 stars). 2 submissions from 2 submitters: Uncertain significance (2). Last evaluated 2025-10-25.

Conditions:
Hereditary cancer-predisposing syndrome. Also called: Neoplastic Syndromes, Hereditary; Tumor predisposition; Hereditary Cancer Syndrome; Hereditary neoplastic syndrome. Identifiers: Orphanet 140162, MedGen C0027672, MeSH D009386, MONDO:0015356.

Allele frequency attached by ClinVar (database versions not stated): TOPMed below 0.00001; gnomAD 0.00001.
gnomAD v4.1: 1 of 1,614,054 alleles (0.000062%); highest among the groups gnomAD compares: Non-Finnish European, 0.000085%; no homozygotes.

Submissions (2):

Ambry Genetics
Classification: Uncertain significance for Hereditary cancer-predisposing syndrome. Last evaluated: 2025-10-25. Review status: criteria provided, single submitter. Criteria: Ambry Variant Classification Scheme 2023. Collection method: clinical testing. Allele origin: germline.
Comment: The p.I230S variant (also known as c.689T>G), located in coding exon 7 of the POLE gene, results from a T to G substitution at nucleotide position 689. The isoleucine at codon 230 is replaced by serine, an amino acid with dissimilar properties. This amino acid position is conserved. In addition, this alteration is predicted to be tolerated by in silico analysis. Since supporting evidence is limited at this time, the clinical significance of this alteration remains unclear.

Labcorp Genetics (formerly Invitae), Labcorp
Classification: Uncertain significance. Last evaluated: 2019-06-06. Review status: criteria provided, single submitter. Criteria: Invitae Variant Classification Sherloc (09022015). Collection method: clinical testing. Allele origin: germline.
Comment: In summary, this variant is a novel missense change with uncertain impact on protein function. It has been classified as a Variant of Uncertain Significance. Algorithms developed to predict the effect of sequence changes on RNA splicing suggest that this variant may alter RNA splicing, but this prediction has not been confirmed by published transcriptional studies. Algorithms developed to predict the effect of missense changes on protein structure and function (SIFT, PolyPhen-2, Align-GVGD) all suggest that this variant is likely to be disruptive, but these predictions have not been confirmed by published functional studies. This variant is not present in population databases (ExAC no frequency) and has not been reported in the literature in individuals with a POLE-related disease. This sequence change replaces isoleucine with serine at codon 230 of the POLE protein (p.Ile230Ser). The isoleucine residue is weakly conserved and there is a large physicochemical difference between isoleucine and serine.

NM_006231.4(POLE):c.689T>G (p.Ile230Ser)

Gene: POLE (DNA polymerase epsilon, catalytic subunit; minus strand). Cytogenetic location: 12q24.33.
Variant type: single nucleotide variant.
Coding change: c.689T>G on transcript NM_006231.4 (MANE Select); coding-DNA position 689, T replaced by G.
Protein change: p.Ile230Ser; replaces isoleucine 230 with serine.
Molecular consequence: missense variant.
Genome position (GRCh38, 1-based): chr12:132,677,609, A>C on the plus strand (T>G on the coding strand, the complement: POLE is on the minus strand). VCF-style: chr12-132677609-A-C. GRCh37 (hg19) VCF-style: chr12-133254195-A-C.
Other names: short protein forms I230S.
Identifiers: ClinVar variation 473819 (VCV000473819.14), dbSNP rs1401947646, ClinGen allele CA387364732.